The following is an entry in ClinVar:

NM_138576.4(BCL11B):c.629G>A (p.Cys210Tyr)

Gene: BCL11B (BCL11 transcription factor B; minus strand). Cytogenetic location: 14q32.2.
Variant type: single nucleotide variant.
Coding change: c.629G>A on transcript NM_138576.4 (MANE Select); coding-DNA position 629, G replaced by A.
Protein change: p.Cys210Tyr; replaces cysteine 210 with tyrosine.
Molecular consequence: missense variant. On other transcripts: intron variant (2).
Genome position (GRCh38, 1-based): chr14:99,231,356, C>T on the plus strand (G>A on the coding strand, the complement: BCL11B is on the minus strand). VCF-style: chr14-99231356-C-T. GRCh37 (hg19) VCF-style: chr14-99697693-C-T.
Other names: c.626G>A, p.Cys209Tyr (NM_001282237.2); c.424+26115G>A (NM_001282238.2); c.427+26115G>A (NM_022898.3); short protein forms C209Y, C210Y.
Identifiers: ClinVar variation 2181458 (VCV002181458.3), dbSNP rs780098265, ClinGen allele CA7339845.

ClinVar aggregate classification (germline): Uncertain significance (1 of 4 stars; one submission).

Allele frequency attached by ClinVar (database versions not stated): ExAC 0.00001.

Submission:

Labcorp Genetics (formerly Invitae), Labcorp
Classification: Uncertain significance. Last evaluated: 2024-08-10. Review status: criteria provided, single submitter. Criteria: Invitae Variant Classification Sherloc (09022015). Collection method: clinical testing. Allele origin: germline.
Comment: This sequence change replaces cysteine, which is neutral and slightly polar, with tyrosine, which is neutral and polar, at codon 210 of the BCL11B protein (p.Cys210Tyr). The frequency data for this variant in the population databases is considered unreliable, as metrics indicate poor data quality at this position in the gnomAD database. This variant has not been reported in the literature in individuals affected with BCL11B-related conditions. ClinVar contains an entry for this variant (Variation ID: 2181458). An algorithm developed to predict the effect of missense changes on protein structure and function (PolyPhen-2) suggests that this variant is likely to be disruptive. In summary, the available evidence is currently insufficient to determine the role of this variant in disease. Therefore, it has been classified as a Variant of Uncertain Significance.